The following is an entry in ClinVar:

ClinVar aggregate classification (germline): Uncertain significance (1 of 4 stars; one submission).

Conditions:
Fanconi anemia (FA). Also called: Fanconi's anemia. Identifiers: Orphanet 84, MedGen C0015625, MeSH D005199, MONDO:0019391.

Submission:

Labcorp Genetics (formerly Invitae), Labcorp
Classification: Uncertain significance for Fanconi anemia. Last evaluated: 2024-04-16. Review status: criteria provided, single submitter. Criteria: Invitae Variant Classification Sherloc (09022015). Collection method: clinical testing. Allele origin: germline.
Comment: This sequence change replaces alanine, which is neutral and non-polar, with valine, which is neutral and non-polar, at codon 401 of the FANCG protein (p.Ala401Val). This variant is present in population databases (no rsID available, gnomAD 0.002%). This variant has not been reported in the literature in individuals affected with FANCG-related conditions. Advanced modeling of protein sequence and biophysical properties (such as structural, functional, and spatial information, amino acid conservation, physicochemical variation, residue mobility, and thermodynamic stability) has been performed at Invitae for this missense variant, however the output from this modeling did not meet the statistical confidence thresholds required to predict the impact of this variant on FANCG protein function. In summary, the available evidence is currently insufficient to determine the role of this variant in disease. Therefore, it has been classified as a Variant of Uncertain Significance.

NM_004629.2(FANCG):c.1202C>T (p.Ala401Val)

Gene: FANCG (FA complementation group G; minus strand). Cytogenetic location: 9p13.3.
Variant type: single nucleotide variant.
Coding change: c.1202C>T on transcript NM_004629.2 (MANE Select); coding-DNA position 1202, C replaced by T.
Protein change: p.Ala401Val; replaces alanine 401 with valine.
Molecular consequence: missense variant.
Genome position (GRCh38, 1-based): chr9:35,075,696, G>A on the plus strand (C>T on the coding strand, the complement: FANCG is on the minus strand). VCF-style: chr9-35075696-G-A. GRCh37 (hg19) VCF-style: chr9-35075693-G-A.
Other names: short protein forms A401V.
Identifiers: ClinVar variation 3705069 (VCV003705069.2).